The following is an entry in ClinVar:

NM_001042492.3(NF1):c.3594_3595del (p.Glu1198fs)

Gene: NF1 (neurofibromin 1; plus strand). Cytogenetic location: 17q11.2.
Variant type: Deletion.
Coding change: c.3594_3595del on transcript NM_001042492.3 (MANE Select); coding-DNA positions 3594 to 3595, 2 bases deleted (AA; older notation c.3594_3595delAA).
Protein change: p.Glu1198fs; shifts the reading frame from glutamic acid 1198.
Molecular consequence: frameshift variant.
Genome position (GRCh38, 1-based): chr17:31,233,099-31,233,100, AA deleted; deleting any 2 consecutive bases within chr17:31,233,098-31,233,100 gives the same sequence; the c. name uses the placement nearest the transcript's 3' end. VCF-style (leftmost placement, unchanged base first): chr17-31233097-GAA-G. GRCh37 (hg19) VCF-style: chr17-29560115-GAA-G.
Other names: c.3594_3595delAA, p.Glu1198Aspfs (NM_000267.4); short protein forms E1198fs.
Identifiers: ClinVar variation 2710071 (VCV002710071.3), dbSNP rs2151435535, ClinGen allele CA2697559802.

ClinVar aggregate classification (germline): Pathogenic (1 of 4 stars; one submission).

Conditions:
Neurofibromatosis, type 1 (NF1). Also called: Peripheral type neurofibromatosis; VON RECKLINGHAUSEN DISEASE; NEUROFIBROMATOSIS, TYPE I, SOMATIC; Neurofibromatosis, type I. Identifiers: Orphanet 636, MedGen C0027831, MONDO:0018975, OMIM 162200. Disease mechanism: loss of function.

Submission:

Labcorp Genetics (formerly Invitae), Labcorp
Classification: Pathogenic for Neurofibromatosis, type 1. Last evaluated: 2024-01-18. Review status: criteria provided, single submitter. Criteria: Invitae Variant Classification Sherloc (09022015). Collection method: clinical testing. Allele origin: germline.
Comment: This sequence change creates a premature translational stop signal (p.Glu1198Aspfs*5) in the NF1 gene. It is expected to result in an absent or disrupted protein product. Loss-of-function variants in NF1 are known to be pathogenic (PMID: 10712197, 23913538). This variant is not present in population databases (gnomAD no frequency). This variant has not been reported in the literature in individuals affected with NF1-related conditions. For these reasons, this variant has been classified as Pathogenic.

Literature cited by the submitters: PubMed 10712197; PubMed 23913538.